The following is an entry in ClinVar:

ClinVar aggregate classification (germline): Likely pathogenic (0 of 4 stars; one submission).

Conditions:
Cutis laxa, autosomal recessive, type 1B (ARCL1B). Also called: EFEMP2-Related Cutis Laxa; CUTIS LAXA, AUTOSOMAL RECESSIVE, TYPE IB. Identifiers: Orphanet 90349, MedGen C3280798, MONDO:0013754, OMIM 614437. Disease mechanism: loss of function.

Submission:

Department of Reproductive Genetics, International Peace Maternity and Child Health Hospital, Shanghai Jiao Tong University School of Medicine
Classification: Likely pathogenic for Cutis laxa, autosomal recessive, type IB. Last evaluated: 2025-05-01. Review status: no assertion criteria provided. Collection method: clinical testing. Allele origin: inherited. Affected: yes.
Comment: The variant was absent in control chromosomes in GnomAD project. In-silico tool predicts a pathogenic outcome for this variant.

Literature cited by the submitters: PubMed 39764439.

NM_016938.5(EFEMP2):c.464A>C (p.Tyr155Ser)

Gene: EFEMP2 (EGF-like fibulin extracellular matrix protein 2; minus strand). Cytogenetic location: 11q13.1.
Variant type: single nucleotide variant.
Coding change: c.464A>C on transcript NM_016938.5 (MANE Select); coding-DNA position 464, A replaced by C.
Protein change: p.Tyr155Ser; replaces tyrosine 155 with serine.
Molecular consequence: missense variant. On other transcripts: non-coding transcript variant (1).
Genome position (GRCh38, 1-based): chr11:65,870,562, T>G on the plus strand (A>C on the coding strand, the complement: EFEMP2 is on the minus strand). VCF-style: chr11-65870562-T-G. GRCh37 (hg19) VCF-style: chr11-65638033-T-G.
Other names: short protein forms Y155S.
Identifiers: ClinVar variation 4075758 (VCV004075758.1).